The following is an entry in ClinVar:

ClinVar aggregate classification (germline): Pathogenic/Likely pathogenic. Review status: criteria provided, multiple submitters, no conflicts (2 of 4 stars). 2 submissions from 2 submitters: Pathogenic (1); Likely pathogenic (1). Last evaluated 2023-07-17.

Conditions:
Diamond-Blackfan anemia. Also called: Blackfan Diamond syndrome; Aregenerative anemia chronic congenital; Red cell aplasia, pure hereditary; Congenital hypoplastic anemia; Aase syndrome. Identifiers: Orphanet 124, MedGen C1260899, MeSH D029503, MONDO:0015253, HP:0004810.
Diamond-Blackfan anemia 6 (DBA6). Also called: RPL5-Related Diamond-Blackfan Anemia. Identifiers: Orphanet 124, MedGen C2931850, MONDO:0012937, OMIM 612561.

Submissions (2):

Victorian Clinical Genetics Services, Murdoch Childrens Research Institute
Classification: Pathogenic for Diamond-Blackfan anemia 6. Last evaluated: 2023-07-17. Review status: criteria provided, single submitter. Criteria: ACMG Guidelines, 2015. Collection method: clinical testing. Allele origin: germline. Inheritance: Autosomal dominant inheritance. Affected: yes.
Comment: Based on the classification scheme VCGS_Germline_v1.3.4, this variant is classified as Pathogenic. Following criteria are met: 0102 - Loss of function is a known mechanism of disease in this gene and is associated with Diamond-Blackfan anaemia 6 (MIM#612561). (I) 0107 - This gene is associated with autosomal dominant disease. (I) 0211 - Canonical splice site variant without proven consequence on splicing (no functional evidence available). (SP) 0251 - This variant is heterozygous. (I) 0301 - Variant is absent from gnomAD (both v2 and v3). (SP) 0505 - Abnormal splicing is predicted by in silico tools and affected nucleotide is highly conserved. (SP) 0703 - Another splice site variants comparable to the one identified in this case have moderate previous evidence for pathogenicity. c.527+1G>A and c.527+2dupT have been reported in two individuals with Diamond-Blackfan anaemia (PMIDs: 27258031, 29797310). (SP) 0803 - This variant has limited previous evidence of pathogenicity in an unrelated individual. It has been classified as likely pathogenic by a diagnostic laboratory in ClinVar. (SP) 0905 - No published segregation evidence has been identified for this variant. (I) 1007 - No published functional evidence has been identified for this variant. (I) 1208 - Inheritance information for this variant is not currently available in this individual. (I) Legend: (SP) - Supporting pathogenic, (I) - Information, (SB) - Supporting benign

Labcorp Genetics (formerly Invitae), Labcorp
Classification: Likely pathogenic for Diamond-Blackfan anemia. Last evaluated: 2020-12-14. Review status: criteria provided, single submitter. Criteria: Invitae Variant Classification Sherloc (09022015). Collection method: clinical testing. Allele origin: germline.
Comment: In summary, the currently available evidence indicates that the variant is pathogenic, but additional data are needed to prove that conclusively. Therefore, this variant has been classified as Likely Pathogenic. Algorithms developed to predict the effect of sequence changes on RNA splicing suggest that this variant may disrupt the consensus splice site, but this prediction has not been confirmed by published transcriptional studies. This variant has not been reported in the literature in individuals with RPL5-related conditions. This variant is not present in population databases (ExAC no frequency). This sequence change affects a donor splice site in intron 5 of the RPL5 gene. It is expected to disrupt RNA splicing. Variants that disrupt the donor or acceptor splice site typically lead to a loss of protein function (PMID: 16199547), and loss-of-function variants in RPL5 are known to be pathogenic (PMID: 19061985, 19773262).

Literature cited by the submitters: PubMed 27258031 (cited by Victorian Clinical Genetics Services, Murdoch Childrens Research Institute); PubMed 29797310 (cited by Victorian Clinical Genetics Services, Murdoch Childrens Research Institute); PubMed 16199547 (cited by Labcorp Genetics (formerly Invitae), Labcorp); PubMed 19061985 (cited by Labcorp Genetics (formerly Invitae), Labcorp); PubMed 19773262 (cited by Labcorp Genetics (formerly Invitae), Labcorp).

NM_000969.5(RPL5):c.527+1G>T

Genes: DIPK1A (divergent protein kinase domain 1A; minus strand), RPL5 (ribosomal protein L5; plus strand). Cytogenetic location: 1p22.1.
Variant type: single nucleotide variant.
Coding change: c.527+1G>T on transcript NM_000969.5 (MANE Select); the canonical splice donor site of the intron after coding-DNA position 527, G replaced by T.
Molecular consequence: splice donor variant. On other transcripts: intron variant (1).
Genome position (GRCh38, 1-based): chr1:92,836,393, G>T. VCF-style: chr1-92836393-G-T. GRCh37 (hg19) VCF-style: chr1-93301950-G-T.
Other names: c.475-3359C>A (NM_001252273.2).
Identifiers: ClinVar variation 1476888 (VCV001476888.9), dbSNP rs2100685111, ClinGen allele CA341242684.